The following is an entry in ClinVar:

ClinVar aggregate classification (germline): Uncertain significance (1 of 4 stars; one submission).

Submission:

Labcorp Genetics (formerly Invitae), Labcorp
Classification: Uncertain significance. Last evaluated: 2022-08-10. Review status: criteria provided, single submitter. Criteria: Invitae Variant Classification Sherloc (09022015). Collection method: clinical testing. Allele origin: germline.
Comment: This sequence change replaces proline, which is neutral and non-polar, with serine, which is neutral and polar, at codon 612 of the CDC14A protein (p.Pro612Ser). Information on the frequency of this variant in the gnomAD database is not available, as this variant may be reported differently in the database. This variant has not been reported in the literature in individuals affected with CDC14A-related conditions. ClinVar contains an entry for this variant (Variation ID: 1449648). Experimental studies and prediction algorithms are not available or were not evaluated, and the functional significance of this variant is currently unknown. In summary, the available evidence is currently insufficient to determine the role of this variant in disease. Therefore, it has been classified as a Variant of Uncertain Significance.

NM_003672.4(CDC14A):c.1755+78_1755+79delinsTT

Gene: CDC14A (cell division cycle 14A; plus strand). Cytogenetic location: 1p21.2.
Variant type: Indel.
Coding change: c.1755+78_1755+79delinsTT on transcript NM_003672.4 (MANE Select); bases 78 to 79 of the intron after coding-DNA position 1755, GC replaced by TT.
Molecular consequence: intron variant. On other transcripts: missense variant (3).
Genome position (GRCh38, 1-based): chr1:100,499,340-100,499,341, GC replaced by TT. VCF-style: chr1-100499340-GC-TT. GRCh37 (hg19) VCF-style: chr1-100964896-GC-TT.
Other names: c.1659_1660delinsTT, p.Pro554Ser (NM_001319211.2); c.954_955delinsTT, p.Pro319Ser (NM_001319212.2); c.1833_1834delinsTT, p.Pro612Ser (NM_033312.3); c.1755+78_1755+79delinsTT (NM_001319210.2); short protein forms P554S, P612S, P319S.
Identifiers: ClinVar variation 1449648 (VCV001449648.6), dbSNP rs2101444645, ClinGen allele CA2573130848.
Genomic context (GRCh38, chr1:100,499,340, plus strand): 5'-ACCTCCTGGTCCTCAGAACCCTGAATGCAACTTCTGTGCCTTGCCTTCCCAGCCGAGGCT[GC>TT]CACCAAAGAAATTTAATAGTGCCAAGGAAGCCTTCTGAGCGATGCCTTCCCTCTGTGCTG-3'